The following is an entry in ClinVar:

ClinVar aggregate classification (germline): Uncertain significance (1 of 4 stars; one submission).

Submission:

Labcorp Genetics (formerly Invitae), Labcorp
Classification: Uncertain significance. Last evaluated: 2025-05-22. Review status: criteria provided, single submitter. Criteria: Invitae Variant Classification Sherloc (09022015). Collection method: clinical testing. Allele origin: germline.
Comment: This sequence change replaces glycine, which is neutral and non-polar, with aspartic acid, which is acidic and polar, at codon 195 of the ACVR1 protein (p.Gly195Asp). This variant is not present in population databases (gnomAD no frequency). This variant has not been reported in the literature in individuals affected with ACVR1-related conditions. An algorithm developed to predict the effect of missense changes on protein structure and function (PolyPhen-2) suggests that this variant is likely to be disruptive. In summary, the available evidence is currently insufficient to determine the role of this variant in disease. Therefore, it has been classified as a Variant of Uncertain Significance.

NM_001111067.4(ACVR1):c.584G>A (p.Gly195Asp)

Gene: ACVR1 (activin A receptor type 1; minus strand). Cytogenetic location: 2q24.1.
Variant type: single nucleotide variant.
Coding change: c.584G>A on transcript NM_001111067.4 (MANE Select); coding-DNA position 584, G replaced by A.
Protein change: p.Gly195Asp; replaces glycine 195 with aspartic acid.
Molecular consequence: missense variant.
Genome position (GRCh38, 1-based): chr2:157,774,147, C>T on the plus strand (G>A on the coding strand, the complement: ACVR1 is on the minus strand). VCF-style: chr2-157774147-C-T. GRCh37 (hg19) VCF-style: chr2-158630659-C-T.
Other names: c.584G>A, p.Gly195Asp (NM_001105.5, NM_001347663.1, NM_001347664.1 and 3 more transcripts); short protein forms G195D.
Identifiers: ClinVar variation 4773224 (VCV004773224.1).